The following is an entry in ClinVar:

ClinVar aggregate classification (germline): Uncertain significance (1 of 4 stars; one submission).

Conditions:
Peroxisome biogenesis disorder 9B. Also called: PEX7-Related Refsum Disease; PEROXISOME BIOGENESIS DISORDER, PEX7-RELATED, ATYPICAL; Refsum disease, adult, 2. Identifiers: Orphanet 773, MedGen C2749346, MONDO:0013945, OMIM 614879.

Allele frequency attached by ClinVar (database versions not stated): gnomAD exomes below 0.00001; TOPMed 0.00002; gnomAD 0.00004.
gnomAD v4.1: 7 of 1,512,600 alleles (0.00046%); highest among the groups gnomAD compares: African/African-American, 0.01%; no homozygotes.

Submission:

Labcorp Genetics (formerly Invitae), Labcorp
Classification: Uncertain significance for Peroxisome biogenesis disorder 9B. Last evaluated: 2021-12-07. Review status: criteria provided, single submitter. Criteria: Invitae Variant Classification Sherloc (09022015). Collection method: clinical testing. Allele origin: germline.
Comment: This sequence change replaces alanine, which is neutral and non-polar, with valine, which is neutral and non-polar, at codon 22 of the PEX7 protein (p.Ala22Val). This variant is present in population databases (no rsID available, gnomAD 0.02%). This variant has not been reported in the literature in individuals affected with PEX7-related conditions. Algorithms developed to predict the effect of missense changes on protein structure and function output the following: SIFT: "Tolerated"; PolyPhen-2: "Benign"; Align-GVGD: "Class C0". The valine amino acid residue is found in multiple mammalian species, which suggests that this missense change does not adversely affect protein function. In summary, the available evidence is currently insufficient to determine the role of this variant in disease. Therefore, it has been classified as a Variant of Uncertain Significance.

NM_000288.4(PEX7):c.65C>T (p.Ala22Val)

Gene: PEX7 (peroxisomal biogenesis factor 7; plus strand). Cytogenetic location: 6q23.3.
Variant type: single nucleotide variant.
Coding change: c.65C>T on transcript NM_000288.4 (MANE Select); coding-DNA position 65, C replaced by T.
Protein change: p.Ala22Val; replaces alanine 22 with valine.
Molecular consequence: missense variant.
Genome position (GRCh38, 1-based): chr6:136,822,730, C>T. VCF-style: chr6-136822730-C-T. GRCh37 (hg19) VCF-style: chr6-137143868-C-T.
Other names: short protein forms A22V.
Identifiers: ClinVar variation 1429068 (VCV001429068.3), dbSNP rs1052621653, ClinGen allele CA148640680.